The following is an entry in ClinVar:

NM_001903.5(CTNNA1):c.1964G>A (p.Ser655Asn)

Gene: CTNNA1 (catenin alpha 1; plus strand). Cytogenetic location: 5q31.2.
Variant type: single nucleotide variant.
Coding change: c.1964G>A on transcript NM_001903.5 (MANE Select); coding-DNA position 1964, G replaced by A.
Protein change: p.Ser655Asn; replaces serine 655 with asparagine.
Molecular consequence: missense variant.
Genome position (GRCh38, 1-based): chr5:138,929,310, G>A. VCF-style: chr5-138929310-G-A. GRCh37 (hg19) VCF-style: chr5-138264999-G-A.
Other names: c.1964G>A, p.Ser655Asn (NM_001290307.3, NM_001323982.2, NM_001323983.1 and 2 more transcripts); c.1655G>A, p.Ser552Asn (NM_001290309.3); c.1595G>A, p.Ser532Asn (NM_001290310.3); c.854G>A, p.Ser285Asn (NM_001290312.1, NM_001323987.1, NM_001323988.1 and 17 more transcripts); c.1871G>A, p.Ser624Asn (NM_001323986.2); c.515G>A, p.Ser172Asn (NM_001324006.1, NM_001324007.1, NM_001324008.1 and 2 more transcripts); c.761G>A, p.Ser254Asn (NM_001324011.1); c.611G>A, p.Ser204Asn (NM_001324012.1, NM_001324013.1); short protein forms S254N, S624N, S655N, S172N, S204N, S285N, S532N, S552N.
Identifiers: ClinVar variation 2095939 (VCV002095939.4), dbSNP rs2533821077, ClinGen allele CA361132818.
Genomic context (GRCh38, chr5:138,929,310, plus strand): 5'-CTGAGGAGTTGGATGACTCTGACTTTGAGACAGAAGATTTTGATGTCAGAAGCAGGACGA[G>A]CGTCCAGACAGAAGACGATCAGCTGATAGCTGGCCAGAGTGCCCGGGTAAGGAAGCGCTC-3'
Protein context (NP_001894.2, residues 645-665): TEDFDVRSRT[Ser655Asn]VQTEDDQLIA

ClinVar aggregate classification (germline): Uncertain significance (1 of 4 stars; one submission).

Submission:

Labcorp Genetics (formerly Invitae), Labcorp
Classification: Uncertain significance. Last evaluated: 2022-02-10. Review status: criteria provided, single submitter. Criteria: Invitae Variant Classification Sherloc (09022015). Collection method: clinical testing. Allele origin: germline.
Comment: Algorithms developed to predict the effect of missense changes on protein structure and function are either unavailable or do not agree on the potential impact of this missense change (SIFT: "Deleterious"; PolyPhen-2: "Benign"; Align-GVGD: "Class C0"). In summary, the available evidence is currently insufficient to determine the role of this variant in disease. Therefore, it has been classified as a Variant of Uncertain Significance. This sequence change replaces serine, which is neutral and polar, with asparagine, which is neutral and polar, at codon 655 of the CTNNA1 protein (p.Ser655Asn). This variant is not present in population databases (gnomAD no frequency). This variant has not been reported in the literature in individuals affected with CTNNA1-related conditions.